The following is an entry in ClinVar:

NM_004928.3(CFAP410):c.86G>A (p.Arg29His)

Gene: CFAP410 (cilia and flagella associated protein 410; minus strand). Cytogenetic location: 21q22.3.
Variant type: single nucleotide variant.
Coding change: c.86G>A on transcript NM_004928.3 (MANE Select); coding-DNA position 86, G replaced by A.
Protein change: p.Arg29His; replaces arginine 29 with histidine.
Molecular consequence: missense variant. On other transcripts: 5 prime UTR variant (1).
Genome position (GRCh38, 1-based): chr21:44,337,659, C>T on the plus strand (G>A on the coding strand, the complement: CFAP410 is on the minus strand). VCF-style: chr21-44337659-C-T. GRCh37 (hg19) VCF-style: chr21-45757542-C-T.
Other names: c.86G>A, p.Arg29His (NM_001271440.2, NM_001271441.2); c.-126G>A (NM_001271442.1); short protein forms R29H.
Identifiers: ClinVar variation 1967383 (VCV001967383.2), dbSNP rs779474015, ClinGen allele CA10053877.

ClinVar aggregate classification (germline): Uncertain significance (1 of 4 stars; one submission).

Allele frequency attached by ClinVar (database versions not stated): ExAC 0.00001; gnomAD 0.00001; gnomAD exomes 0.00001; TOPMed 0.00001.

Submission:

Labcorp Genetics (formerly Invitae), Labcorp
Classification: Uncertain significance. Last evaluated: 2022-03-09. Review status: criteria provided, single submitter. Criteria: Invitae Variant Classification Sherloc (09022015). Collection method: clinical testing. Allele origin: germline.
Comment: This sequence change replaces arginine, which is basic and polar, with histidine, which is basic and polar, at codon 29 of the CFAP410 protein (p.Arg29His). This variant is present in population databases (rs779474015, gnomAD 0.007%). This variant has not been reported in the literature in individuals affected with CFAP410-related conditions. Algorithms developed to predict the effect of missense changes on protein structure and function output the following: SIFT: "Tolerated"; PolyPhen-2: "Benign"; Align-GVGD: "Class C0". The histidine amino acid residue is found in multiple mammalian species, which suggests that this missense change does not adversely affect protein function. In summary, the available evidence is currently insufficient to determine the role of this variant in disease. Therefore, it has been classified as a Variant of Uncertain Significance.